The following is an entry in ClinVar:

ClinVar aggregate classification (germline): Likely benign (1 of 4 stars; one submission).

Allele frequency attached by ClinVar (database versions not stated): 1000 Genomes Project 0.00040; 1000 Genomes Project 30x 0.00047; ExAC 0.00098; ESP Exome Variant Server 0.00114.

Submission:

CeGaT Center for Human Genetics Tuebingen
Classification: Likely benign. Last evaluated: 2022-09-01. Review status: criteria provided, single submitter. Criteria: CeGaT Center For Human Genetics Tuebingen Variant Classification Criteria Version 2. Collection method: clinical testing. Allele origin: germline. Affected: yes. Observed: 1 variant allele.
Comment: PDIA2: BP4, BP7

NM_006849.4(PDIA2):c.51G>A (p.Ser17=)

Gene: PDIA2 (protein disulfide isomerase family A member 2; plus strand). Cytogenetic location: 16p13.3.
Variant type: single nucleotide variant.
Coding change: c.51G>A on transcript NM_006849.4 (MANE Select); coding-DNA position 51, G replaced by A.
Protein change: p.Ser17=; no amino-acid change (serine 17 retained).
Molecular consequence: synonymous variant.
Genome position (GRCh38, 1-based): chr16:283,220, G>A. VCF-style: chr16-283220-G-A. GRCh37 (hg19) VCF-style: chr16-333220-G-A.
Identifiers: ClinVar variation 2645778 (VCV002645778.22), dbSNP rs372717662, ClinGen allele CA7772776.